The following is an entry in ClinVar:

ClinVar aggregate classification (germline): Uncertain significance. Review status: criteria provided, single submitter (1 of 4 stars). 2 submissions from 2 submitters: Uncertain significance (1). 1 of the submissions does not count toward it. Last evaluated 2023-09-13.

Conditions:
Combined malonic and methylmalonic acidemia. Identifiers: Orphanet 289504, MedGen C3280314, MONDO:0013661, OMIM 614265.

Allele frequency attached by ClinVar (database versions not stated): gnomAD exomes below 0.00001; TOPMed 0.00001.
gnomAD v4.1: 1 of 1,610,216 alleles (0.000062%); highest among the groups gnomAD compares: Admixed American, 0.0017%; no homozygotes.

Submissions (2):

Labcorp Genetics (formerly Invitae), Labcorp
Classification: Uncertain significance for Combined malonic and methylmalonic acidemia. Last evaluated: 2023-09-13. Review status: criteria provided, single submitter. Criteria: Invitae Variant Classification Sherloc (09022015). Collection method: clinical testing. Allele origin: germline.
Comment: ClinVar contains an entry for this variant (Variation ID: 1361155). Advanced modeling of protein sequence and biophysical properties (such as structural, functional, and spatial information, amino acid conservation, physicochemical variation, residue mobility, and thermodynamic stability) performed at Invitae indicates that this missense variant is not expected to disrupt ACSF3 protein function. In summary, the available evidence is currently insufficient to determine the role of this variant in disease. Therefore, it has been classified as a Variant of Uncertain Significance. This variant has not been reported in the literature in individuals affected with ACSF3-related conditions. This sequence change replaces leucine, which is neutral and non-polar, with phenylalanine, which is neutral and non-polar, at codon 31 of the ACSF3 protein (p.Leu31Phe). This variant is not present in population databases (gnomAD no frequency).

Natera, Inc.
Classification: Uncertain significance for Combined malonic and methylmalonic aciduria. Last evaluated: 2025-03-24. Review status: no assertion criteria provided. Collection method: clinical testing. Allele origin: germline. Not counted in ClinVar's aggregate classification.

NM_001243279.3(ACSF3):c.91C>T (p.Leu31Phe)

Gene: ACSF3 (acyl-CoA synthetase family member 3; plus strand). Cytogenetic location: 16q24.3.
Variant type: single nucleotide variant.
Coding change: c.91C>T on transcript NM_001243279.3 (MANE Select); coding-DNA position 91, C replaced by T.
Protein change: p.Leu31Phe; replaces leucine 31 with phenylalanine.
Molecular consequence: missense variant. On other transcripts: non-coding transcript variant (3), intron variant (1).
Genome position (GRCh38, 1-based): chr16:89,100,772, C>T. VCF-style: chr16-89100772-C-T. GRCh37 (hg19) VCF-style: chr16-89167180-C-T.
Other names: c.91C>T, p.Leu31Phe (NM_001127214.4, NM_174917.5); c.-129-1832C>T (NM_001284316.2); c.91C>T (NM_174917.4); short protein forms L31F.
Identifiers: ClinVar variation 1361155 (VCV001361155.7), dbSNP rs1975195262, ClinGen allele CA397133407.